The following is an entry in ClinVar:

ClinVar aggregate classification (germline): Uncertain significance (1 of 4 stars; one submission).

Allele frequency attached by ClinVar (database versions not stated): gnomAD exomes below 0.00001; ExAC 0.00001; gnomAD 0.00001; TOPMed 0.00001.
gnomAD v4.1: 5 of 1,614,052 alleles (0.00031%); highest among the groups gnomAD compares: South Asian, 0.0055%; no homozygotes.

Submission:

Labcorp Genetics (formerly Invitae), Labcorp
Classification: Uncertain significance. Last evaluated: 2023-09-05. Review status: criteria provided, single submitter. Criteria: Invitae Variant Classification Sherloc (09022015). Collection method: clinical testing. Allele origin: germline.
Comment: In summary, the available evidence is currently insufficient to determine the role of this variant in disease. Therefore, it has been classified as a Variant of Uncertain Significance. An algorithm developed to predict the effect of missense changes on protein structure and function (PolyPhen-2) suggests that this variant is likely to be disruptive. This variant has not been reported in the literature in individuals affected with DMXL2-related conditions. This variant is present in population databases (rs754197878, gnomAD 0.003%). This sequence change replaces valine, which is neutral and non-polar, with methionine, which is neutral and non-polar, at codon 2037 of the DMXL2 protein (p.Val2037Met).

NM_001378457.1(DMXL2):c.6109G>A (p.Val2037Met)

Gene: DMXL2 (Dmx like 2; minus strand). Cytogenetic location: 15q21.2.
Variant type: single nucleotide variant.
Coding change: c.6109G>A on transcript NM_001378457.1 (MANE Select); coding-DNA position 6109, G replaced by A.
Protein change: p.Val2037Met; replaces valine 2037 with methionine.
Molecular consequence: missense variant. On other transcripts: non-coding transcript variant (2).
Genome position (GRCh38, 1-based): chr15:51,480,997, C>T on the plus strand (G>A on the coding strand, the complement: DMXL2 is on the minus strand). VCF-style: chr15-51480997-C-T. GRCh37 (hg19) VCF-style: chr15-51773194-C-T.
Other names: c.6109G>A, p.Val2037Met (NM_001174116.3, NM_001378458.1, NM_001378459.1 and 4 more transcripts); c.4201G>A, p.Val1401Met (NM_001174117.3); c.4090G>A, p.Val1364Met (NM_001378460.1); c.5869G>A, p.Val1957Met (NM_001378464.1); short protein forms V1364M, V1401M, V2037M, V1957M.
Identifiers: ClinVar variation 2784146 (VCV002784146.3), dbSNP rs754197878, ClinGen allele CA7561686.